The following is an entry in ClinVar:

ClinVar aggregate classification (germline): other (0 of 4 stars; one submission).

Conditions:
Familial colorectal cancer. Identifiers: MedGen CN280943, MONDO:0023113. Disease mechanism: loss of function.

Submission:

Systems Biology Platform Zhejiang California International NanoSystems Institute
Classification: other for Familial colorectal cancer. Review status: no assertion criteria provided. Collection method: not provided. Allele origin: unknown.
ClinVar note: Converted during submission from cancer to other.

NM_000038.6(APC):c.730-128G>T

Gene: APC (APC regulator of WNT signaling pathway; plus strand). Cytogenetic location: 5q22.2.
Variant type: single nucleotide variant.
Coding change: c.730-128G>T on transcript NM_000038.6 (MANE Select); 128 bases into the intron before coding-DNA position 730, G replaced by T.
Molecular consequence: intron variant.
Genome position (GRCh38, 1-based): chr5:112,801,151, G>T. VCF-style: chr5-112801151-G-T. GRCh37 (hg19) VCF-style: chr5-112136848-G-T.
Other names: c.730-128G>T (NM_001354895.2, NM_001127510.3, NM_001354896.2 and 1 more transcripts); c.760-128G>T (NM_001354897.2, NM_001354902.2); c.676-128G>T (NM_001127511.3); c.655-128G>T (NM_001354898.2, NM_001354904.2); c.-306-128G>T (NM_001354906.2); c.646-128G>T (NM_001354899.2); c.553-128G>T (NM_001354900.2, NM_001354901.2, NM_001354905.2).
Identifiers: ClinVar variation 83043 (VCV000083043.2), dbSNP rs77533107, ClinGen allele CA013312.